The following is an entry in ClinVar:

ClinVar aggregate classification (germline): Uncertain significance (1 of 4 stars; one submission).

Conditions:
Lysinuric protein intolerance (LPI). Identifiers: Orphanet 470, MedGen C0268647, MONDO:0009109, OMIM 222700.

Allele frequency attached by ClinVar (database versions not stated): ExAC 0.00001; gnomAD 0.00001; gnomAD exomes 0.00001 and 0.00002; TOPMed 0.00001.
gnomAD v4.1: 12 of 1,614,092 alleles (0.00074%); highest among the groups gnomAD compares: Middle Eastern, 0.033%; no homozygotes.

Submission:

Labcorp Genetics (formerly Invitae), Labcorp
Classification: Uncertain significance for Lysinuric protein intolerance. Last evaluated: 2022-02-08. Review status: criteria provided, single submitter. Criteria: Invitae Variant Classification Sherloc (09022015). Collection method: clinical testing. Allele origin: germline.
Comment: This sequence change replaces methionine, which is neutral and non-polar, with threonine, which is neutral and polar, at codon 488 of the SLC7A7 protein (p.Met488Thr). This variant is present in population databases (rs751601259, gnomAD 0.003%). This variant has not been reported in the literature in individuals affected with SLC7A7-related conditions. Algorithms developed to predict the effect of missense changes on protein structure and function (SIFT, PolyPhen-2, Align-GVGD) all suggest that this variant is likely to be tolerated. In summary, the available evidence is currently insufficient to determine the role of this variant in disease. Therefore, it has been classified as a Variant of Uncertain Significance.

NM_003982.4(SLC7A7):c.1463T>C (p.Met488Thr)

Gene: SLC7A7 (solute carrier family 7 member 7; minus strand). Cytogenetic location: 14q11.2.
Variant type: single nucleotide variant.
Coding change: c.1463T>C on transcript NM_003982.4 (MANE Select); coding-DNA position 1463, T replaced by C.
Protein change: p.Met488Thr; replaces methionine 488 with threonine.
Molecular consequence: missense variant.
Genome position (GRCh38, 1-based): chr14:22,773,683, A>G on the plus strand (T>C on the coding strand, the complement: SLC7A7 is on the minus strand). VCF-style: chr14-22773683-A-G. GRCh37 (hg19) VCF-style: chr14-23242892-A-G.
Other names: c.1463T>C, p.Met488Thr (NM_001126105.3, NM_001126106.4); short protein forms M488T.
Identifiers: ClinVar variation 1358175 (VCV001358175.5), dbSNP rs751601259, ClinGen allele CA7104371.
Genomic context (GRCh38, chr14:22,773,683, plus strand): 5'-GGATCCCGTTGCTTGGGCATCTCTCCTCCATCTTCCAAATCCATTTCTGCAGCAACTGAC[A>G]TACACAGGACCTGGAGGTACCTTGTGGCAGACCCTACAAAGAGAACTTTGAGTTGGAATT-3'
Protein context (NP_003973.3, residues 478-498): SATRYLQVLC[Met488Thr]SVAAEMDLED